The following is an entry in ClinVar:

ClinVar aggregate classification (germline): Uncertain significance (1 of 4 stars; one submission).

Allele frequency attached by ClinVar (database versions not stated): TOPMed below 0.00001; gnomAD 0.00001.
gnomAD v4.1: 4 of 1,587,588 alleles (0.00025%); highest among the groups gnomAD compares: Non-Finnish European, 0.00034%; no homozygotes.

Submission:

GeneDx
Classification: Uncertain significance. Last evaluated: 2019-12-06. Review status: criteria provided, single submitter. Criteria: GeneDx Variant Classification Process June 2021. Collection method: clinical testing. Allele origin: germline. Affected: yes.
Comment: Not observed in large population cohorts (Lek et al., 2016); In silico analysis, which includes protein predictors and evolutionary conservation, supports that this variant does not alter protein structure/function; Has not been previously published as pathogenic or benign to our knowledge

NM_001127222.2(CACNA1A):c.2672T>G (p.Leu891Arg)

Gene: CACNA1A (calcium voltage-gated channel subunit alpha1 A; minus strand). Cytogenetic location: 19p13.13.
Variant type: single nucleotide variant.
Coding change: c.2672T>G on transcript NM_001127222.2 (MANE Select); coding-DNA position 2672, T replaced by G.
Protein change: p.Leu891Arg; replaces leucine 891 with arginine.
Molecular consequence: missense variant.
Genome position (GRCh38, 1-based): chr19:13,298,961, A>C on the plus strand (T>G on the coding strand, the complement: CACNA1A is on the minus strand). VCF-style: chr19-13298961-A-C. GRCh37 (hg19) VCF-style: chr19-13409775-A-C.
Other names: c.2684T>G, p.Leu895Arg (NM_000068.4, NM_023035.3); c.2675T>G, p.Leu892Arg (NM_001127221.2, NM_001174080.2); short protein forms L891R, L892R, L895R.
Identifiers: ClinVar variation 1198937 (VCV001198937.2), dbSNP rs1171365113, ClinGen allele CA404342951.